The following is an entry in ClinVar:

NC_000013.11:g.32340149_32340155delinsT

Gene: BRCA2 (BRCA2 DNA repair associated; plus strand). Cytogenetic location: 13q13.1.
Variant type: Indel.
Genome position: GRCh38 VCF-style: chr13-32340149-CATAACC-T. GRCh37 (hg19) VCF-style: chr13-32914286-CATAACC-T.
Other names: c.5794_5800delinsT, p.His1932_Gln1934delinsTer (LRG_293t1).
Identifiers: ClinVar variation 462391 (VCV000462391.1), dbSNP rs1555284398, ClinGen allele CA658656403.

ClinVar aggregate classification (germline): Pathogenic (1 of 4 stars; one submission).

Conditions:
Hereditary breast ovarian cancer syndrome. Also called: Hereditary breast and ovarian cancer syndrome (HBOC); Hereditary breast and ovarian cancer syndrome; Breast and ovarian cancer; Hereditary breast and/or ovarian cancer syndrome; Hereditary breast and ovarian cancer; BRCA1- and BRCA2-Associated Hereditary Breast and Ovarian Cancer. Identifiers: Orphanet 145, MedGen C0677776, MeSH D061325, MONDO:0003582. Disease mechanism: loss of function.

Submission:

Labcorp Genetics (formerly Invitae), Labcorp
Classification: Pathogenic for Hereditary breast ovarian cancer syndrome. Last evaluated: 2017-05-25. Review status: criteria provided, single submitter. Criteria: Invitae Variant Classification Sherloc (09022015). Collection method: clinical testing. Allele origin: germline.
Comment: This sequence change creates a premature translational stop signal (p.Gln1934*) in the BRCA2 gene. It is expected to result in an absent or disrupted protein product. This variant is not present in population databases (ExAC no frequency). This variant has not been reported in the literature in individuals with a BRCA2-related disease. ClinVar contains an entry for this variant (Variation ID: 266895). Loss-of-function variants in BRCA2 are known to be pathogenic (PMID: 20104584). For these reasons, this variant has been classified as Pathogenic.